The following is an entry in ClinVar:

ClinVar aggregate classification (germline): Likely benign. Review status: criteria provided, multiple submitters, no conflicts (2 of 4 stars). 2 submissions from 2 submitters: Likely benign (2). Last evaluated 2025-05-05.

Conditions:
Arrhythmogenic right ventricular cardiomyopathy (ARVD). Also called: Arrhythmogenic right ventricular dysplasia; Cardiomyopathy, ARVC; Arrhythmogenic cardiomyopathy; Arrhythmogenic Right Ventricular Cardiomyopathy (ARVC). Identifiers: Orphanet 247, MedGen C0349788, MeSH D019571, MONDO:0016587. Disease mechanism: loss of function. Inheritance: Various modes of inheritance.
Cardiovascular phenotype. Identifiers: MedGen CN230736.

gnomAD v4.1: 1 of 1,614,162 alleles (0.000062%); highest among the groups gnomAD compares: Non-Finnish European, 0.000085%; no homozygotes.

Submissions (2):

Ambry Genetics
Classification: Likely benign for Cardiovascular phenotype. Last evaluated: 2025-05-05. Review status: criteria provided, single submitter. Criteria: Ambry Variant Classification Scheme 2023. Collection method: clinical testing. Allele origin: germline.

All of Us Research Program, National Institutes of Health
Classification: Likely benign for Arrhythmogenic right ventricular cardiomyopathy. Last evaluated: 2023-10-02. Review status: criteria provided, single submitter. Criteria: ACMG Guidelines, 2015. Collection method: clinical testing. Allele origin: germline. Inheritance: Autosomal dominant inheritance. Observed: 1 variant allele, 1 heterozygote.
Comment: This study involves interpretation of variants in research participants for the purpose of population health screening. Participant phenotype was not available at the time of variant classification. Additional details can be found in publication PMID: 35346344, PMCID: PMC8962531

NM_001943.5(DSG2):c.1887A>G (p.Pro629=)

Gene: DSG2 (desmoglein 2; plus strand). Cytogenetic location: 18q12.1.
Variant type: single nucleotide variant.
Coding change: c.1887A>G on transcript NM_001943.5 (MANE Select); coding-DNA position 1887, A replaced by G.
Protein change: p.Pro629=; no amino-acid change (proline 629 retained).
Molecular consequence: synonymous variant.
Genome position (GRCh38, 1-based): chr18:31,541,200, A>G. VCF-style: chr18-31541200-A-G. GRCh37 (hg19) VCF-style: chr18-29121163-A-G.
Identifiers: ClinVar variation 3073534 (VCV003073534.2), dbSNP rs2510919936, ClinGen allele CA503597115.